The following is an entry in ClinVar:

NM_012330.4(KAT6B):c.3403C>T (p.Arg1135Cys)

Gene: KAT6B (lysine acetyltransferase 6B; plus strand). Cytogenetic location: 10q22.2.
Variant type: single nucleotide variant.
Coding change: c.3403C>T on transcript NM_012330.4 (MANE Select); coding-DNA position 3403, C replaced by T.
Protein change: p.Arg1135Cys; replaces arginine 1135 with cysteine.
Molecular consequence: missense variant.
Genome position (GRCh38, 1-based): chr10:75,024,988, C>T. VCF-style: chr10-75024988-C-T. GRCh37 (hg19) VCF-style: chr10-76784746-C-T.
Other names: c.2854C>T, p.Arg952Cys (NM_001256468.2, NM_001370138.1); c.2527C>T, p.Arg843Cys (NM_001256469.2, NM_001370139.1, NM_001370140.1 and 2 more transcripts); c.2365C>T, p.Arg789Cys (NM_001370132.1); c.1714C>T, p.Arg572Cys (NM_001370133.1); c.1318C>T, p.Arg440Cys (NM_001370134.1); c.1060C>T, p.Arg354Cys (NM_001370135.1); c.3403C>T, p.Arg1135Cys (NM_001370136.1, NM_001370137.1); c.2338C>T, p.Arg780Cys (NM_001370143.1, NM_001370144.1); short protein forms R1135C, R354C, R440C, R572C, R780C, R789C, R843C, R952C.
Identifiers: ClinVar variation 1309170 (VCV001309170.2), dbSNP rs541804598, ClinGen allele CA209704333.

ClinVar aggregate classification (germline): Uncertain significance (1 of 4 stars; one submission).

Allele frequency attached by ClinVar (database versions not stated): gnomAD exomes below 0.00001; TOPMed below 0.00001; gnomAD 0.00001.
gnomAD v4.1: 6 of 1,613,948 alleles (0.00037%); highest among the groups gnomAD compares: Non-Finnish European, 0.00042%; no homozygotes.

Submission:

GeneDx
Classification: Uncertain significance. Last evaluated: 2019-10-07. Review status: criteria provided, single submitter. Criteria: GeneDx Variant Classification Process June 2021. Collection method: clinical testing. Allele origin: germline. Affected: yes.
Comment: Has not been previously published as pathogenic or benign to our knowledge; Not observed in large population cohorts (Lek et al., 2016); In silico analysis, which includes protein predictors and evolutionary conservation, supports a deleterious effect